The following is an entry in ClinVar:

NM_006087.4(TUBB4A):c.*673A>G

Gene: TUBB4A (tubulin beta 4A class IVa; minus strand). Cytogenetic location: 19p13.3.
Variant type: single nucleotide variant.
Coding change: c.*673A>G on transcript NM_006087.4 (MANE Select); 673 bases downstream of the stop codon, A replaced by G.
Molecular consequence: 3 prime UTR variant.
Genome position (GRCh38, 1-based): chr19:6,494,491, T>C on the plus strand (A>G on the coding strand, the complement: TUBB4A is on the minus strand). VCF-style: chr19-6494491-T-C. GRCh37 (hg19) VCF-style: chr19-6494502-T-C.
Other names: c.*673A>G (NM_001289123.2, NM_001289127.2, NM_001289129.2 and 2 more transcripts).
Identifiers: ClinVar variation 330250 (VCV000330250.6), dbSNP rs1053377, ClinGen allele CA10649166.
Genomic context (GRCh38, chr19:6,494,491, plus strand): 5'-GCTAAGGTCGGCAGGGGCTGAGGGGAGTGAGGCAGGGAGGATGCATGGGGCCTGTGGGAA[T>C]CAGAGAGAAGCTGGGGTCAGAGGTAGGAGCTGACGCTGTGGGGGGTGGGGGGTGAAAGGT-3'

ClinVar aggregate classification (germline): Benign. Review status: criteria provided, multiple submitters, no conflicts (2 of 4 stars). 3 submissions from 2 submitters: Benign (3). Last evaluated 2017-04-27.

Conditions:
Leukodystrophy, hypomyelinating, 6. Also called: LEUKODYSTROPHY, HYPOMYELINATING, WITH ATROPHY OF THE BASAL GANGLIA AND CEREBELLUM; TUBB4A-Associated Leukodystrophy; Hypomyelination with Atrophy of Basal Ganglia and Cerebellum (H-ABC). Identifiers: Orphanet 139441, MedGen C2676244, MONDO:0012905, OMIM 612438.
Torsion dystonia 4. Also called: DYT-TUBB4A (Autosomal Dominant Torsion Dystonia); DYSTONIA MUSCULORUM DEFORMANS 4. Identifiers: Orphanet 98805, MedGen C1851943, MONDO:0007493, OMIM 128101.

Allele frequency attached by ClinVar (database versions not stated): 1000 Genomes Project 0.40156; 1000 Genomes Project 30x 0.40818; TOPMed 0.55638; gnomAD 0.56069 and 0.57285; gnomAD exomes 0.58846.
gnomAD v4.1: 83,810 of 149,538 alleles (56%); highest among the groups gnomAD compares: Non-Finnish European, 65%; 24,583 homozygotes.

Submissions (3):

Illumina Laboratory Services, Illumina
Classification: Benign for Torsion dystonia 4. Last evaluated: 2017-04-27. Review status: criteria provided, single submitter. Criteria: ICSL Variant Classification Criteria 13 December 2019. Collection method: clinical testing. Allele origin: germline.
Comment: This variant was observed as part of a predisposition screen in an ostensibly healthy population. A literature search was performed for the gene, cDNA change, and amino acid change (where applicable). No publications were found based on this search. Allele frequency data from public databases was too high to be consistent with this variant causing disease. Therefore, this variant is classified as benign.

Illumina Laboratory Services, Illumina
Classification: Benign for Leukodystrophy, hypomyelinating, 6. Last evaluated: 2017-04-27. Review status: criteria provided, single submitter. Criteria: ICSL Variant Classification Criteria 13 December 2019. Collection method: clinical testing. Allele origin: germline.
Comment: the same text as in the submission from Illumina Laboratory Services, Illumina above.

Breakthrough Genomics
Classification: Benign. Review status: criteria provided, single submitter. Criteria: ACMG Guidelines, 2015. Collection method: not provided. Allele origin: germline. Inheritance: Autosomal dominant inheritance. Affected: yes.